The following is an entry in ClinVar:

ClinVar aggregate classification (germline): Uncertain significance (1 of 4 stars; one submission).

Allele frequency attached by ClinVar (database versions not stated): gnomAD exomes below 0.00001; ExAC 0.00001.
gnomAD v4.1: 4 of 1,613,758 alleles (0.00025%); highest among the groups gnomAD compares: Non-Finnish European, 0.00034%; no homozygotes.

Submission:

Ambry Genetics
Classification: Uncertain significance. Last evaluated: 2024-05-08. Review status: criteria provided, single submitter. Criteria: Ambry Variant Classification Scheme 2023. Collection method: clinical testing. Allele origin: germline.
Comment: The p.V829M variant (also known as c.2485G>A), located in coding exon 15 of the POLQ gene, results from a G to A substitution at nucleotide position 2485. The valine at codon 829 is replaced by methionine, an amino acid with highly similar properties. This amino acid position is conserved. In addition, the in silico prediction for this alteration is inconclusive. Since supporting evidence is limited at this time, the clinical significance of this alteration remains unclear.

NM_199420.4(POLQ):c.2485G>A (p.Val829Met)

Gene: POLQ (DNA polymerase theta; minus strand). Cytogenetic location: 3q13.33.
Variant type: single nucleotide variant.
Coding change: c.2485G>A on transcript NM_199420.4 (MANE Select); coding-DNA position 2485, G replaced by A.
Protein change: p.Val829Met; replaces valine 829 with methionine.
Molecular consequence: missense variant.
Genome position (GRCh38, 1-based): chr3:121,493,515, C>T on the plus strand (G>A on the coding strand, the complement: POLQ is on the minus strand). VCF-style: chr3-121493515-C-T. GRCh37 (hg19) VCF-style: chr3-121212362-C-T.
Other names: short protein forms V829M.
Identifiers: ClinVar variation 1791981 (VCV001791981.3), dbSNP rs780001168, ClinGen allele CA2563254.